The following is an entry in ClinVar:

NM_016356.5(DCDC2):c.1406A>C (p.Asn469Thr)

Gene: DCDC2 (doublecortin domain containing 2; minus strand). Cytogenetic location: 6p22.3.
Variant type: single nucleotide variant.
Coding change: c.1406A>C on transcript NM_016356.5 (MANE Select); coding-DNA position 1406, A replaced by C.
Protein change: p.Asn469Thr; replaces asparagine 469 with threonine.
Molecular consequence: missense variant.
Genome position (GRCh38, 1-based): chr6:24,174,755, T>G on the plus strand (A>C on the coding strand, the complement: DCDC2 is on the minus strand). VCF-style: chr6-24174755-T-G. GRCh37 (hg19) VCF-style: chr6-24174983-T-G.
Other names: c.1406A>C, p.Asn469Thr (NM_001195610.2); c.1406A>C (NM_016356.3); short protein forms N469T.
Identifiers: ClinVar variation 2053179 (VCV002053179.5), dbSNP rs1341118731, ClinGen allele CA363278565.
Genomic context (GRCh38, chr6:24,174,755, plus strand): 5'-TCTTGCGATCCATATACTCTCTTTTTAAAAATGTTCTAAGCCACGGCAGCATAGTCCTTG[T>G]TTTGTTGGTTGTTTTCATTTTCTTCTGGACTGGTAATTTTTACTTCTGGCCTTGGTGGTC-3'
Protein context (NP_057440.2, residues 459-476): SPEENENNQQ[Asn469Thr]KDYAAVA

ClinVar aggregate classification (germline): Uncertain significance. Review status: criteria provided, multiple submitters, no conflicts (2 of 4 stars). 2 submissions from 2 submitters: Uncertain significance (2). Last evaluated 2025-06-03.

Conditions:
Isolated neonatal sclerosing cholangitis (NSC). Also called: Sclerosing cholangitis, neonatal. Identifiers: Orphanet 480556, MedGen C4479344, MONDO:0018816, OMIM 617394.
Autosomal recessive nonsyndromic hearing loss 66 (DFNB66). Also called: Deafness, autosomal recessive 66. Identifiers: Orphanet 90636, MedGen C1857750, MONDO:0012442, OMIM 610212.
Inborn genetic diseases. Identifiers: MedGen C0950123, MeSH D030342.

Allele frequency attached by ClinVar (database versions not stated): gnomAD 0.00001; gnomAD exomes 0.00001; TOPMed 0.00001.
gnomAD v4.1: 20 of 1,613,566 alleles (0.0012%); highest among the groups gnomAD compares: Admixed American, 0.0017%; no homozygotes.

Submissions (2):

Ambry Genetics
Classification: Uncertain significance for Inborn genetic diseases. Last evaluated: 2025-06-03. Review status: criteria provided, single submitter. Criteria: Ambry Variant Classification Scheme 2023. Collection method: clinical testing. Allele origin: germline.

Labcorp Genetics (formerly Invitae), Labcorp
Classification: Uncertain significance for Autosomal recessive nonsyndromic hearing loss 66; Isolated neonatal sclerosing cholangitis. Last evaluated: 2022-10-18. Review status: criteria provided, single submitter. Criteria: Invitae Variant Classification Sherloc (09022015). Collection method: clinical testing. Allele origin: germline.
Comment: This sequence change replaces asparagine, which is neutral and polar, with threonine, which is neutral and polar, at codon 469 of the DCDC2 protein (p.Asn469Thr). In summary, the available evidence is currently insufficient to determine the role of this variant in disease. Therefore, it has been classified as a Variant of Uncertain Significance. Algorithms developed to predict the effect of missense changes on protein structure and function (SIFT, PolyPhen-2, Align-GVGD) all suggest that this variant is likely to be tolerated. This variant has not been reported in the literature in individuals affected with DCDC2-related conditions. This variant is present in population databases (no rsID available, gnomAD 0.003%).